The following is an entry in ClinVar:

NM_002432.3(MNDA):c.803T>C (p.Ile268Thr)

Gene: MNDA (myeloid cell nuclear differentiation antigen; plus strand). Cytogenetic location: 1q23.1.
Variant type: single nucleotide variant.
Coding change: c.803T>C on transcript NM_002432.3 (MANE Select); coding-DNA position 803, T replaced by C.
Protein change: p.Ile268Thr; replaces isoleucine 268 with threonine.
Molecular consequence: missense variant.
Genome position (GRCh38, 1-based): chr1:158,845,819, T>C. VCF-style: chr1-158845819-T-C. GRCh37 (hg19) VCF-style: chr1-158815609-T-C.
Other names: short protein forms I268T.
Identifiers: ClinVar variation 3295443 (VCV003295443.1).

ClinVar aggregate classification (germline): Uncertain significance (1 of 4 stars; one submission).

Submission:

Ambry Genetics
Classification: Uncertain significance. Last evaluated: 2024-04-28. Review status: criteria provided, single submitter. Criteria: Ambry Variant Classification Scheme 2023. Collection method: clinical testing. Allele origin: germline.
Comment: The p.I268T variant (also known as c.803T>C), located in coding exon 4 of the MNDA gene, results from a T to C substitution at nucleotide position 803. The isoleucine at codon 268 is replaced by threonine, an amino acid with similar properties. This amino acid position is conserved. In addition, the in silico prediction for this alteration is inconclusive. Based on the available evidence, the clinical significance of this variant remains unclear.